The following is an entry in ClinVar:

ClinVar aggregate classification (germline): Benign (1 of 4 stars; one submission).

Conditions:
Fanconi anemia complementation group J. Also called: BRIP1-Related Fanconi Anemia. Identifiers: Orphanet 84, MedGen C1836860, MONDO:0012187, OMIM 609054.

Allele frequency attached by ClinVar (database versions not stated): gnomAD exomes 0.00167; 1000 Genomes Project 0.00919; 1000 Genomes Project 30x 0.00921; gnomAD 0.00928 and 0.00997; TOPMed 0.01096.
gnomAD v4.1: 1,496 of 210,298 alleles (0.71%); highest among the groups gnomAD compares: African/African-American, 3.2%; 20 homozygotes.

Submission:

Illumina Laboratory Services, Illumina
Classification: Benign for Fanconi anemia complementation group J. Last evaluated: 2018-01-13. Review status: criteria provided, single submitter. Criteria: ICSL Variant Classification Criteria 13 December 2019. Collection method: clinical testing. Allele origin: germline.
Comment: This variant was observed in the ICSL laboratory as part of a predisposition screen in an ostensibly healthy population. It had not been previously curated by ICSL or reported in the Human Gene Mutation Database (HGMD: prior to June 1st, 2018), and was therefore a candidate for classification through an automated scoring system. Utilizing variant allele frequency, disease prevalence and penetrance estimates, and inheritance mode, an automated score was calculated to assess if this variant is too frequent to cause the disease. Based on the score and internal cut-off values, a variant classified as benign is not then subjected to further curation. The score for this variant resulted in a classification of benign for this disease.

NM_032043.3(BRIP1):c.*1820C>T

Gene: BRIP1 (BRCA1 interacting DNA helicase 1; minus strand). Cytogenetic location: 17q23.2.
Variant type: single nucleotide variant.
Coding change: c.*1820C>T on transcript NM_032043.3 (MANE Select); 1820 bases downstream of the stop codon, C replaced by T.
Molecular consequence: 3 prime UTR variant.
Genome position (GRCh38, 1-based): chr17:61,681,476, G>A on the plus strand (C>T on the coding strand, the complement: BRIP1 is on the minus strand). VCF-style: chr17-61681476-G-A. GRCh37 (hg19) VCF-style: chr17-59758837-G-A.
Identifiers: ClinVar variation 324325 (VCV000324325.5), dbSNP rs114037902, ClinGen allele CA10646326.